The following is an entry in ClinVar:

NM_001853.4(COL9A3):c.1215+8A>G

Gene: COL9A3 (collagen type IX alpha 3 chain; plus strand). Cytogenetic location: 20q13.33.
Variant type: single nucleotide variant.
Coding change: c.1215+8A>G on transcript NM_001853.4 (MANE Select); 8 bases into the intron after coding-DNA position 1215, A replaced by G.
Molecular consequence: intron variant.
Genome position (GRCh38, 1-based): chr20:62,830,421, A>G. VCF-style: chr20-62830421-A-G. GRCh37 (hg19) VCF-style: chr20-61461773-A-G.
Other names: c.1215+8A>G (NM_001853.3).
Identifiers: ClinVar variation 2791803 (VCV002791803.13), dbSNP rs1324157182, ClinGen allele CA636336447.

ClinVar aggregate classification (germline): Conflicting classifications of pathogenicity. Review status: criteria provided, conflicting classifications (1 of 4 stars). 3 submissions from 3 submitters: Uncertain significance (1); Likely benign (1). 1 of the submissions does not count toward it. Last evaluated 2025-06-01.

Conditions:
COL9A3-related disorder. Also called: COL9A3-related condition.

Allele frequency attached by ClinVar (database versions not stated): gnomAD 0.00001; gnomAD exomes 0.00001; TOPMed 0.00001.
gnomAD v4.1: 14 of 1,566,616 alleles (0.00089%); highest among the groups gnomAD compares: Middle Eastern, 0.017%; no homozygotes.

Submissions (3):

CeGaT Center for Human Genetics Tuebingen
Classification: Uncertain significance. Last evaluated: 2025-06-01. Review status: criteria provided, single submitter. Criteria: CeGaT Center For Human Genetics Tuebingen Variant Classification Criteria Version 2. Collection method: clinical testing. Allele origin: germline. Affected: yes. Observed: 1 variant allele.
Comment: COL9A3: PM2, BP4

Labcorp Genetics (formerly Invitae), Labcorp
Classification: Likely benign. Last evaluated: 2024-10-21. Review status: criteria provided, single submitter. Criteria: Invitae Variant Classification Sherloc (09022015). Collection method: clinical testing. Allele origin: germline.

PreventionGenetics, part of Exact Sciences
Classification: Likely benign for COL9A3-related condition. Last evaluated: 2021-04-19. Review status: no assertion criteria provided. Collection method: clinical testing. Allele origin: germline. Not counted in ClinVar's aggregate classification.
Comment: This variant is classified as likely benign based on ACMG/AMP sequence variant interpretation guidelines (Richards et al. 2015 PMID: 25741868, with internal and published modifications).